The following is an entry in ClinVar:

NM_000789.4(ACE):c.3108C>A (p.Asn1036Lys)

Gene: ACE (angiotensin I converting enzyme; plus strand). Cytogenetic location: 17q23.3.
Variant type: single nucleotide variant.
Coding change: c.3108C>A on transcript NM_000789.4 (MANE Select); coding-DNA position 3108, C replaced by A.
Protein change: p.Asn1036Lys; replaces asparagine 1036 with lysine.
Molecular consequence: missense variant.
Genome position (GRCh38, 1-based): chr17:63,493,631, C>A. VCF-style: chr17-63493631-C-A. GRCh37 (hg19) VCF-style: chr17-61570992-C-A.
Other names: c.1386C>A, p.Asn462Lys (NM_001178057.2, NM_152830.3); short protein forms N1036K, N462K.
Identifiers: ClinVar variation 324414 (VCV000324414.14), dbSNP rs142947404, ClinGen allele CA8700362.

ClinVar aggregate classification (germline): Uncertain significance. Review status: criteria provided, multiple submitters, no conflicts (2 of 4 stars). 7 submissions from 7 submitters: Uncertain significance (6). 1 of the submissions does not count toward it. Last evaluated 2026-01-28.

Conditions:
Microvascular complications of diabetes, susceptibility to, 3. Identifiers: MedGen C2675470, MONDO:0012963, OMIM 612624.
Hemorrhage, intracerebral, susceptibility to (ICH). Also called: Stroke, hemorrhagic, susceptibility to. Identifiers: MedGen C3281105, MONDO:0100533, OMIM 614519.
Renal tubular dysgenesis of genetic origin. Also called: PRIMITIVE RENAL TUBULE SYNDROME. Identifiers: Orphanet 97369, MedGen C5681536, MONDO:0009970, OMIM 267430.
Renal tubular dysgenesis. Also called: Renotubular dysgenesis. Identifiers: Orphanet 3033, MedGen C0266313, MONDO:0017609, HP:0008660.

Allele frequency attached by ClinVar (database versions not stated): 1000 Genomes Project 30x 0.00031; gnomAD 0.00032; 1000 Genomes Project 0.00040; ESP Exome Variant Server 0.00069; TOPMed 0.00071; ExAC 0.00074.

Submissions (7):

Labcorp Genetics (formerly Invitae), Labcorp
Classification: Uncertain significance. Last evaluated: 2026-01-28. Review status: criteria provided, single submitter. Criteria: Invitae Variant Classification Sherloc (09022015). Collection method: clinical testing. Allele origin: germline.
Comment: This sequence change replaces asparagine, which is neutral and polar, with lysine, which is basic and polar, at codon 1036 of the ACE protein (p.Asn1036Lys). This variant is present in population databases (rs142947404, gnomAD 0.2%), and has an allele count higher than expected for a pathogenic variant. This variant has not been reported in the literature in individuals affected with ACE-related conditions. ClinVar contains an entry for this variant (Variation ID: 324414). Invitae Evidence Modeling of protein sequence and biophysical properties (such as structural, functional, and spatial information, amino acid conservation, physicochemical variation, residue mobility, and thermodynamic stability) indicates that this missense variant is not expected to disrupt ACE protein function with a negative predictive value of 80%. In summary, the available evidence is currently insufficient to determine the role of this variant in disease. Therefore, it has been classified as a Variant of Uncertain Significance.

Women's Health and Genetics/Laboratory Corporation of America, LabCorp
Classification: Uncertain significance. Last evaluated: 2025-06-13. Review status: criteria provided, single submitter. Criteria: LabCorp Variant Classification Summary - May 2015. Collection method: clinical testing. Allele origin: germline.
Comment: Variant summary: ACE c.3108C>A (p.Asn1036Lys) results in a non-conservative amino acid change in the encoded protein sequence. Algorithms developed to predict the effect of missense changes on protein structure and function are either unavailable or do not agree on the potential impact of this missense change. The variant allele was found at a frequency of 0.0008 in 250308 control chromosomes. This frequency is not significantly higher than estimated for a pathogenic variant in ACE causing ACE-Related Disorders, allowing no conclusion about variant significance. To our knowledge, no occurrence of c.3108C>A in individuals affected with ACE-Related Disorders and no experimental evidence demonstrating its impact on protein function have been reported. ClinVar contains an entry for this variant (Variation ID: 324414). Based on the evidence outlined above, the variant was classified as uncertain significance.

Blueprint Genetics
Classification: Uncertain significance. Last evaluated: 2024-11-12. Review status: criteria provided, single submitter. Criteria: ACMG Guidelines, 2015. Collection method: clinical testing. Allele origin: germline.

Fulgent Genetics
Classification: Uncertain significance for Renal tubular dysgenesis of genetic origin; Microvascular complications of diabetes, susceptibility to, 3; Hemorrhage, intracerebral, susceptibility to. Last evaluated: 2022-05-26. Review status: criteria provided, single submitter. Criteria: ACMG Guidelines, 2015. Collection method: clinical testing. Allele origin: unknown.

Illumina Laboratory Services, Illumina
Classification: Uncertain significance for Renal tubular dysgenesis of genetic origin. Last evaluated: 2018-01-12. Review status: criteria provided, single submitter. Criteria: ICSL Variant Classification Criteria 13 December 2019. Collection method: clinical testing. Allele origin: germline.

Breakthrough Genomics
Classification: Uncertain significance. Review status: criteria provided, single submitter. Criteria: ACMG Guidelines, 2015. Collection method: not provided. Allele origin: germline. Inheritance: Autosomal recessive inheritance. Affected: yes.

Department of Pathology and Laboratory Medicine, Sinai Health System
Classification: Uncertain significance. Review status: no assertion criteria provided. Collection method: clinical testing. Allele origin: unknown. Affected: yes. Study: The Canadian Open Genetics Repository (COGR). Not counted in ClinVar's aggregate classification.
Comment: The ACE p.Asn462Lys variant was not identified in the literature nor was it identified in Cosmic. The variant was identified in dbSNP (ID: rs142947404) and in ClinVar (classified as a VUS by Illumina). The variant was also identified in control databases in 211 of 281706 chromosomes at a frequency of 0.000749 increasing the likelihood this could be a low frequency benign variant (Genome Aggregation Database Feb 27, 2017). The variant was observed in the following populations: Other in 14 of 7202 chromosomes (freq: 0.001944), Ashkenazi Jewish in 20 of 10340 chromosomes (freq: 0.001934), European (non-Finnish) in 123 of 128168 chromosomes (freq: 0.00096), South Asian in 29 of 30598 chromosomes (freq: 0.000948), Latino in 23 of 35382 chromosomes (freq: 0.00065) and European (Finnish) in 2 of 25102 chromosomes (freq: 0.00008); it was not observed in the African and East Asian populations. The p.Asn462 residue is conserved in mammals but not in more distantly related organisms however four out of five computational analyses (PolyPhen-2, SIFT, AlignGVGD, BLOSUM) do not suggest a high likelihood of impact to the protein; this information is not predictive enough to rule out pathogenicity. The variant occurs outside of the splicing consensus sequence and in silico or computational prediction software programs (SpliceSiteFinder, MaxEntScan, NNSPLICE, GeneSplicer) do not predict a difference in splicing. In summary, based on the above information the clinical significance of this variant cannot be determined with certainty at this time. This variant is classified as a variant of uncertain significance.